The following is an entry in ClinVar:

NM_000083.3(CLCN1):c.1981C>T (p.Leu661=)

Genes: CLCN1 (chloride voltage-gated channel 1; plus strand), LOC123956257 (Sharpr-MPRA regulatory region 4117; plus strand). Cytogenetic location: 7q34.
Variant type: single nucleotide variant.
Coding change: c.1981C>T on transcript NM_000083.3 (MANE Select); coding-DNA position 1981, C replaced by T.
Protein change: p.Leu661=; no amino-acid change (leucine 661 retained).
Molecular consequence: synonymous variant. On other transcripts: non-coding transcript variant (1).
Genome position (GRCh38, 1-based): chr7:143,345,571, C>T. VCF-style: chr7-143345571-C-T. GRCh37 (hg19) VCF-style: chr7-143042664-C-T.
Identifiers: ClinVar variation 2179677 (VCV002179677.1), dbSNP rs1227354144, ClinGen allele CA458542235.

ClinVar aggregate classification (germline): Uncertain significance (1 of 4 stars; one submission).

Conditions:
Congenital myotonia, autosomal dominant form (THD). Also called: THOMSEN DISEASE; Myotonia congenita autosomal dominant. Identifiers: Orphanet 614, MedGen C2936781, MONDO:0008055, OMIM 160800.
Congenital myotonia, autosomal recessive form. Also called: BECKER DISEASE; myotonia congenita, autosomal recessive; Becker Generalized Myotonia. Identifiers: Orphanet 614, MedGen C0751360, MONDO:0009715, OMIM 255700.

Allele frequency attached by ClinVar (database versions not stated): gnomAD exomes below 0.00001; gnomAD 0.00001; TOPMed 0.00001.
gnomAD v4.1: 5 of 1,547,242 alleles (0.00032%); highest among the groups gnomAD compares: Non-Finnish European, 0.00044%; no homozygotes.

Submission:

Labcorp Genetics (formerly Invitae), Labcorp
Classification: Uncertain significance for Congenital myotonia, autosomal recessive form; Congenital myotonia, autosomal dominant form. Last evaluated: 2022-04-29. Review status: criteria provided, single submitter. Criteria: Invitae Variant Classification Sherloc (09022015). Collection method: clinical testing. Allele origin: germline.
Comment: This sequence change affects codon 661 of the CLCN1 mRNA. It is a 'silent' change, meaning that it does not change the encoded amino acid sequence of the CLCN1 protein. This variant is not present in population databases (gnomAD no frequency). This variant has not been reported in the literature in individuals affected with CLCN1-related conditions. Algorithms developed to predict the effect of sequence changes on RNA splicing suggest that this variant may create or strengthen a splice site. In summary, the available evidence is currently insufficient to determine the role of this variant in disease. Therefore, it has been classified as a Variant of Uncertain Significance.